The following is an entry in ClinVar:

NM_003626.5(PPFIA1):c.867G>A (p.Thr289=)

Genes: PPFIA1 (PTPRF interacting protein alpha 1; plus strand), LOC105369373 (uncharacterized LOC105369373; minus strand). Cytogenetic location: 11q13.3.
Variant type: single nucleotide variant.
Coding change: c.867G>A on transcript NM_003626.5 (MANE Select); coding-DNA position 867, G replaced by A.
Protein change: p.Thr289=; no amino-acid change (threonine 289 retained).
Molecular consequence: synonymous variant. On other transcripts: non-coding transcript variant (1).
Genome position (GRCh38, 1-based): chr11:70,326,755, G>A. VCF-style: chr11-70326755-G-A. GRCh37 (hg19) VCF-style: chr11-70172861-G-A.
Other names: c.867G>A, p.Thr289= (NM_001378006.1, NM_177423.3).
Identifiers: ClinVar variation 3034190 (VCV003034190.2), dbSNP rs772707467, ClinGen allele CA6158803.

ClinVar aggregate classification (germline): Likely benign (0 of 4 stars; one submission).

Conditions:
PPFIA1-related disorder. Also called: PPFIA1-related condition.

Allele frequency attached by ClinVar (database versions not stated): ExAC 0.00001; gnomAD 0.00001; TOPMed 0.00001.
gnomAD v4.1: 10 of 1,614,006 alleles (0.00062%); highest among the groups gnomAD compares: East Asian, 0.0045%; no homozygotes.

Submission:

PreventionGenetics, part of Exact Sciences
Classification: Likely benign for PPFIA1-related condition. Last evaluated: 2019-06-18. Review status: no assertion criteria provided. Collection method: clinical testing. Allele origin: germline.
Comment: This variant is classified as likely benign based on ACMG/AMP sequence variant interpretation guidelines (Richards et al. 2015 PMID: 25741868, with internal and published modifications).